The following is an entry in ClinVar:

ClinVar aggregate classification (germline): Conflicting classifications of pathogenicity. Review status: criteria provided, conflicting classifications (1 of 4 stars). 2 submissions from 2 submitters: Uncertain significance (1); Likely benign (1). Last evaluated 2024-09-12.

Allele frequency attached by ClinVar (database versions not stated): ExAC 0.00001.
gnomAD v4.1: 1 of 1,611,900 alleles (0.000062%); highest among the groups gnomAD compares: Non-Finnish European, 0.000085%; no homozygotes.

Submissions (2):

Blueprint Genetics
Classification: Likely benign. Last evaluated: 2024-09-12. Review status: criteria provided, single submitter. Criteria: ACMG Guidelines, 2015. Collection method: clinical testing. Allele origin: germline.

Labcorp Genetics (formerly Invitae), Labcorp
Classification: Uncertain significance. Last evaluated: 2023-03-14. Review status: criteria provided, single submitter. Criteria: Invitae Variant Classification Sherloc (09022015). Collection method: clinical testing. Allele origin: germline.
Comment: This sequence change falls in intron 16 of the RNF31 gene. It does not directly change the encoded amino acid sequence of the RNF31 protein. This variant is present in population databases (rs761228055, gnomAD 0.0009%). This variant has not been reported in the literature in individuals affected with RNF31-related conditions. ClinVar contains an entry for this variant (Variation ID: 1933704). Algorithms developed to predict the effect of sequence changes on RNA splicing suggest that this variant may disrupt the consensus splice site. In summary, the available evidence is currently insufficient to determine the role of this variant in disease. Therefore, it has been classified as a Variant of Uncertain Significance.

NM_017999.5(RNF31):c.2728-11G>T

Gene: RNF31 (ring finger protein 31; plus strand). Cytogenetic location: 14q12.
Variant type: single nucleotide variant.
Coding change: c.2728-11G>T on transcript NM_017999.5 (MANE Select); 11 bases into the intron before coding-DNA position 2728, G replaced by T.
Molecular consequence: intron variant.
Genome position (GRCh38, 1-based): chr14:24,157,887, G>T. VCF-style: chr14-24157887-G-T. GRCh37 (hg19) VCF-style: chr14-24627096-G-T.
Other names: c.2275-11G>T (NM_001310332.2).
Identifiers: ClinVar variation 1933704 (VCV001933704.6), dbSNP rs761228055, ClinGen allele CA7126162.